The following is an entry in ClinVar:

ClinVar aggregate classification (germline): Likely pathogenic (1 of 4 stars; one submission).

Conditions:
Neurofibromatosis, type 1 (NF1). Also called: VON RECKLINGHAUSEN DISEASE; NEUROFIBROMATOSIS, TYPE I, SOMATIC; Peripheral type neurofibromatosis; Neurofibromatosis, type I. Identifiers: Orphanet 636, MedGen C0027831, MONDO:0018975, OMIM 162200. Disease mechanism: loss of function.

Submission:

Dasa
Classification: Likely pathogenic for neurofibromatosis type 1. Last evaluated: 2025-02-27. Review status: criteria provided, single submitter. Criteria: DASA Assertion Criteria. Collection method: clinical testing. Allele origin: germline.
Comment: NM_001042492.3(NF1):c.5119_5122del (p.Val1707Serfs*2) is a frameshift variant in NF1 predicted to alter the reading frame and introduce a premature termination codon and is predicted to result in an absent or altered protein product. Loss of function is an established disease mechanism for NF1 (PMID: 1757093; PMID: 1302608; PMID: 34427956). Also, this variant is absent from population databases. Based on the currently available evidence, this variant is classified as likely pathogenic.

Literature cited by the submitters: PubMed 1757093; PubMed 1302608; PubMed 34427956.

NM_001042492.3(NF1):c.5119_5122del (p.Val1707fs)

Gene: NF1 (neurofibromin 1; plus strand). Cytogenetic location: 17q11.2.
Variant type: Deletion.
Coding change: c.5119_5122del on transcript NM_001042492.3 (MANE Select); coding-DNA positions 5119 to 5122, 4 bases deleted (GTTT; older notation c.5119_5122delGTTT).
Protein change: p.Val1707fs; shifts the reading frame from valine 1707.
Molecular consequence: frameshift variant.
Genome position (GRCh38, 1-based): chr17:31,326,103-31,326,106, GTTT deleted; deleting any 4 consecutive bases within chr17:31,326,101-31,326,106 gives the same sequence; the c. name uses the placement nearest the transcript's 3' end. VCF-style (leftmost placement, unchanged base first): chr17-31326100-CTTGT-C. GRCh37 (hg19) VCF-style: chr17-29653118-CTTGT-C.
Other names: c.5056_5059del, p.Val1686fs (NM_000267.4); short protein forms V1686fs, V1707fs.
Identifiers: ClinVar variation 4880753 (VCV004880753.2).